The following is an entry in ClinVar:

ClinVar aggregate classification (germline): Uncertain significance (1 of 4 stars; one submission).

Conditions:
Hereditary cancer-predisposing syndrome. Also called: Hereditary Cancer Syndrome; Hereditary neoplastic syndrome; Tumor predisposition; Neoplastic Syndromes, Hereditary. Identifiers: Orphanet 140162, MedGen C0027672, MeSH D009386, MONDO:0015356.

Submission:

Labcorp Genetics (formerly Invitae), Labcorp
Classification: Uncertain significance for Hereditary cancer-predisposing syndrome. Last evaluated: 2021-06-07. Review status: criteria provided, single submitter. Criteria: Invitae Variant Classification Sherloc (09022015). Collection method: clinical testing. Allele origin: germline.
Comment: This sequence change replaces threonine with isoleucine at codon 198 of the RAD50 protein (p.Thr198Ile). The threonine residue is weakly conserved and there is a moderate physicochemical difference between threonine and isoleucine. This variant is not present in population databases (ExAC no frequency). This variant has not been reported in the literature in individuals with RAD50-related conditions. Algorithms developed to predict the effect of missense changes on protein structure and function (SIFT, PolyPhen-2, Align-GVGD) all suggest that this variant is likely to be tolerated, but these predictions have not been confirmed by published functional studies and their clinical significance is uncertain. In summary, the available evidence is currently insufficient to determine the role of this variant in disease. Therefore, it has been classified as a Variant of Uncertain Significance.

NM_005732.4(RAD50):c.593C>T (p.Thr198Ile)

Gene: RAD50 (RAD50 double strand break repair protein; plus strand). Cytogenetic location: 5q31.1.
Variant type: single nucleotide variant.
Coding change: c.593C>T on transcript NM_005732.4 (MANE Select); coding-DNA position 593, C replaced by T.
Protein change: p.Thr198Ile; replaces threonine 198 with isoleucine.
Molecular consequence: missense variant.
Genome position (GRCh38, 1-based): chr5:132,579,903, C>T. VCF-style: chr5-132579903-C-T. GRCh37 (hg19) VCF-style: chr5-131915595-C-T.
Other names: short protein forms T198I.
Identifiers: ClinVar variation 1399880 (VCV001399880.8), dbSNP rs2149837951, ClinGen allele CA360935713.